The following is an entry in ClinVar:

NM_003542.4(H4C3):c.131T>A (p.Val44Asp)

Gene: H4C3 (H4 clustered histone 3; plus strand). Cytogenetic location: 6p22.2.
Variant type: single nucleotide variant.
Coding change: c.131T>A on transcript NM_003542.4 (MANE Select); coding-DNA position 131, T replaced by A.
Protein change: p.Val44Asp; replaces valine 44 with aspartic acid.
Molecular consequence: missense variant.
Genome position (GRCh38, 1-based): chr6:26,104,078, T>A. VCF-style: chr6-26104078-T-A. GRCh37 (hg19) VCF-style: chr6-26104306-T-A.
Other names: short protein forms V44D.
Identifiers: ClinVar variation 3370852 (VCV003370852.1).
Genomic context (GRCh38, chr6:26,104,078, plus strand): 5'-GGGATAACATCCAGGGCATTACAAAACCGGCTATTCGCCGTTTGGCTCGGCGCGGTGGCG[T>A]CAAGCGCATTTCCGGTCTTATCTATGAGGAGACTCGAGGTGTGCTTAAGGTTTTCTTAGA-3'
Protein context (NP_003533.1, residues 34-54): AIRRLARRGG[Val44Asp]KRISGLIYEE

ClinVar aggregate classification (germline): Uncertain significance (1 of 4 stars; one submission).

Submission:

GeneDx
Classification: Uncertain significance. Last evaluated: 2024-03-11. Review status: criteria provided, single submitter. Criteria: GeneDx Variant Classification Process June 2021. Collection method: clinical testing. Allele origin: germline. Affected: yes.
Comment: Not observed at significant frequency in large population cohorts (gnomAD); In silico analysis supports that this missense variant has a deleterious effect on protein structure/function; Has not been previously published as pathogenic or benign to our knowledge